The following is an entry in ClinVar:

NM_018975.4(TERF2IP):c.310G>A (p.Ala104Thr)

Gene: TERF2IP (TERF2 interacting protein; plus strand). Cytogenetic location: 16q23.1.
Variant type: single nucleotide variant.
Coding change: c.310G>A on transcript NM_018975.4 (MANE Select); coding-DNA position 310, G replaced by A.
Protein change: p.Ala104Thr; replaces alanine 104 with threonine.
Molecular consequence: missense variant. On other transcripts: non-coding transcript variant (1).
Genome position (GRCh38, 1-based): chr16:75,648,192, G>A. VCF-style: chr16-75648192-G-A. GRCh37 (hg19) VCF-style: chr16-75682090-G-A.
Other names: short protein forms A104T.
Identifiers: ClinVar variation 1727732 (VCV001727732.2), dbSNP rs1257273462, ClinGen allele CA396817641.
Genomic context (GRCh38, chr16:75,648,192, plus strand): 5'-ATCCTGGACTGCGTGGAGCGCAACGAGAGGCTGGAGCTGGAGGCCTATCGGCTGGGCCCC[G>A]CCTCGGCGGCGGACACCGGCTCGGAAGCAAAGCCCGGGGCCCTGGCCGAGGGCGCCGCGG-3'
Protein context (NP_061848.2, residues 94-114): LELEAYRLGP[Ala104Thr]SAADTGSEAK

ClinVar aggregate classification (germline): Uncertain significance (1 of 4 stars; one submission).

Submission:

Ambry Genetics
Classification: Uncertain significance. Last evaluated: 2021-06-27. Review status: criteria provided, single submitter. Criteria: Ambry Variant Classification Scheme 2023. Collection method: clinical testing. Allele origin: germline.
Comment: The p.A104T variant (also known as c.310G>A), located in coding exon 1 of the TERF2IP gene, results from a G to A substitution at nucleotide position 310. The alanine at codon 104 is replaced by threonine, an amino acid with similar properties. This amino acid position is conserved. In addition, this alteration is predicted to be tolerated by in silico analysis. Since supporting evidence is limited at this time, the clinical significance of this alteration remains unclear.